The following is an entry in ClinVar:

ClinVar aggregate classification (germline): Uncertain significance (1 of 4 stars; one submission).

Conditions:
DLG2-related disorder. Also called: DLG2-related condition.

gnomAD v4.1: 1 of 1,573,204 alleles (0.000064%); highest among the groups gnomAD compares: Non-Finnish European, 0.000086%; no homozygotes.

Submission:

PreventionGenetics, part of Exact Sciences
Classification: Uncertain significance for DLG2-related condition. Last evaluated: 2025-01-25. Review status: criteria provided, single submitter. Criteria: ACMG Guidelines, 2015. Collection method: clinical testing. Allele origin: germline.
Comment: The DLG2 c.32C>G variant is predicted to result in the amino acid substitution p.Ala11Gly. To our knowledge, this variant has not been reported in the literature or in a large population database (gnomAD), indicating this variant is rare. At this time, the clinical significance of this variant is uncertain due to the absence of conclusive functional and genetic evidence.

NM_001142699.3(DLG2):c.32C>G (p.Ala11Gly)

Gene: DLG2 (discs large MAGUK scaffold protein 2; minus strand). Cytogenetic location: 11q14.1.
Variant type: single nucleotide variant.
Coding change: c.32C>G on transcript NM_001142699.3 (MANE Select); coding-DNA position 32, C replaced by G.
Protein change: p.Ala11Gly; replaces alanine 11 with glycine.
Molecular consequence: missense variant.
Genome position (GRCh38, 1-based): chr11:85,598,665, G>C on the plus strand (C>G on the coding strand, the complement: DLG2 is on the minus strand). VCF-style: chr11-85598665-G-C. GRCh37 (hg19) VCF-style: chr11-85309709-G-C.
Other names: c.143C>G, p.Ala48Gly (NM_001351274.2, NM_001351275.2); short protein forms A11G, A48G.
Identifiers: ClinVar variation 5002110 (VCV005002110.1).